The following is an entry in ClinVar:

NM_024422.6(DSC2):c.374C>A (p.Thr125Asn)

Gene: DSC2 (desmocollin 2; minus strand). Cytogenetic location: 18q12.1.
Variant type: single nucleotide variant.
Coding change: c.374C>A on transcript NM_024422.6 (MANE Select); coding-DNA position 374, C replaced by A.
Protein change: p.Thr125Asn; replaces threonine 125 with asparagine.
Molecular consequence: missense variant.
Genome position (GRCh38, 1-based): chr18:31,091,128, G>T on the plus strand (C>A on the coding strand, the complement: DSC2 is on the minus strand). VCF-style: chr18-31091128-G-T. GRCh37 (hg19) VCF-style: chr18-28671091-G-T.
Other names: c.374C>A, p.Thr125Asn (NM_004949.5); short protein forms T125N.
Identifiers: ClinVar variation 924320 (VCV000924320.5), dbSNP rs1987582538, ClinGen allele CA402114464.

ClinVar aggregate classification (germline): Uncertain significance. Review status: criteria provided, multiple submitters, no conflicts (2 of 4 stars). 2 submissions from 2 submitters: Uncertain significance (2). Last evaluated 2025-07-30.

Conditions:
Cardiomyopathy (CMYO). Also called: Cardiomyopathies. Identifiers: Orphanet 167848, MedGen C0878544, MONDO:0004994, HP:0001638. Inheritance: Various modes of inheritance.
Arrhythmogenic right ventricular dysplasia 11. Also called: ARRHYTHMOGENIC RIGHT VENTRICULAR DYSPLASIA, FAMILIAL, 11; Arrhythmogenic Right Ventricular Dysplasia/Cardiomyopathy11; Arrhythmogenic right ventricular dysplasia 11 with mild palmoplantar keratoderma and woolly hair. Identifiers: MedGen C1864850, MONDO:0012506, OMIM 610476.

Allele frequency attached by ClinVar (database versions not stated): gnomAD exomes 0.00001.

Submissions (2):

Labcorp Genetics (formerly Invitae), Labcorp
Classification: Uncertain significance for Arrhythmogenic right ventricular dysplasia 11. Last evaluated: 2025-07-30. Review status: criteria provided, single submitter. Criteria: Invitae Variant Classification Sherloc (09022015). Collection method: clinical testing. Allele origin: germline.
Comment: This sequence change replaces threonine, which is neutral and polar, with asparagine, which is neutral and polar, at codon 125 of the DSC2 protein (p.Thr125Asn). This variant is not present in population databases (gnomAD no frequency). This variant has not been reported in the literature in individuals affected with DSC2-related conditions. ClinVar contains an entry for this variant (Variation ID: 924320). Invitae Evidence Modeling of protein sequence and biophysical properties (such as structural, functional, and spatial information, amino acid conservation, physicochemical variation, residue mobility, and thermodynamic stability) indicates that this missense variant is not expected to disrupt DSC2 protein function with a negative predictive value of 80%. In summary, the available evidence is currently insufficient to determine the role of this variant in disease. Therefore, it has been classified as a Variant of Uncertain Significance.

Color Diagnostics, LLC DBA Color Health
Classification: Uncertain significance for Cardiomyopathy. Last evaluated: 2024-03-07. Review status: criteria provided, single submitter. Criteria: ACMG Guidelines, 2015. Collection method: clinical testing. Allele origin: germline.
Comment: This missense variant replaces threonine with asparagine at codon 125 of the DSC2 protein. Computational prediction suggests that this variant may not impact protein structure and function (internally defined REVEL score threshold <= 0.5, PMID: 27666373). Splice site prediction tools suggest that this variant may not impact RNA splicing. To our knowledge, functional studies have not been reported for this variant. This variant has not been reported in individuals affected with cardiovascular disorders in the literature. This variant has not been identified in the general population by the Genome Aggregation Database (gnomAD). The available evidence is insufficient to determine the role of this variant in disease conclusively. Therefore, this variant is classified as a Variant of Uncertain Significance.